The following is an entry in ClinVar:

ClinVar aggregate classification (germline): Likely benign. Review status: criteria provided, multiple submitters, no conflicts (2 of 4 stars). 5 submissions from 5 submitters: Likely benign (5). Last evaluated 2026-01-25.

Conditions:
Cardiovascular phenotype. Identifiers: MedGen CN230736.
ZNF469-related disorder. Also called: ZNF469-related condition.

Allele frequency attached by ClinVar (database versions not stated): gnomAD 0.00006; gnomAD exomes 0.00009 and 0.00016; TOPMed 0.00009; ExAC 0.00011.
gnomAD v4.1: 230 of 1,550,164 alleles (0.015%); highest among the groups gnomAD compares: Middle Eastern, 0.1%; no homozygotes.

Submissions (5):

Labcorp Genetics (formerly Invitae), Labcorp
Classification: Likely benign. Last evaluated: 2026-01-25. Review status: criteria provided, single submitter. Criteria: Invitae Variant Classification Sherloc (09022015). Collection method: clinical testing. Allele origin: germline.

PreventionGenetics, part of Exact Sciences
Classification: Likely benign for ZNF469-related condition. Last evaluated: 2025-10-14. Review status: criteria provided, single submitter. Criteria: ACMG Guidelines, 2015. Collection method: clinical testing. Allele origin: germline.
Comment: This variant is classified as likely benign based on ACMG/AMP sequence variant interpretation guidelines (Richards et al. 2015 PMID: 25741868, with internal and published modifications).

Ambry Genetics
Classification: Likely benign for Cardiovascular phenotype. Last evaluated: 2025-05-15. Review status: criteria provided, single submitter. Criteria: Ambry Variant Classification Scheme 2023. Collection method: clinical testing. Allele origin: germline.

Women's Health and Genetics/Laboratory Corporation of America, LabCorp
Classification: Likely benign. Last evaluated: 2025-01-27. Review status: criteria provided, single submitter. Criteria: LabCorp Variant Classification Summary - May 2015. Collection method: clinical testing. Allele origin: germline.

GeneDx
Classification: Likely benign. Last evaluated: 2020-10-05. Review status: criteria provided, single submitter. Criteria: GeneDx Variant Classification Process June 2021. Collection method: clinical testing. Allele origin: germline. Affected: yes.

NM_001367624.2(ZNF469):c.7131G>A (p.Pro2377=)

Gene: ZNF469 (zinc finger protein 469; plus strand). Cytogenetic location: 16q24.2.
Variant type: single nucleotide variant.
Coding change: c.7131G>A on transcript NM_001367624.2 (MANE Select); coding-DNA position 7131, G replaced by A.
Protein change: p.Pro2377=; no amino-acid change (proline 2377 retained).
Molecular consequence: synonymous variant.
Genome position (GRCh38, 1-based): chr16:88,434,601, G>A. VCF-style: chr16-88434601-G-A. GRCh37 (hg19) VCF-style: chr16-88501009-G-A.
Other names: NM_001127464.1:c.7047G>A; NM_001127464.2:c.7047G>A.
Identifiers: ClinVar variation 1185972 (VCV001185972.16), dbSNP rs773655006, ClinGen allele CA8225217.